The following is an entry in ClinVar:

NM_002691.4(POLD1):c.2447C>A (p.Ser816Tyr)

Gene: POLD1 (DNA polymerase delta 1, catalytic subunit; plus strand). Cytogenetic location: 19q13.33.
Variant type: single nucleotide variant.
Coding change: c.2447C>A on transcript NM_002691.4 (MANE Select); coding-DNA position 2447, C replaced by A.
Protein change: p.Ser816Tyr; replaces serine 816 with tyrosine.
Molecular consequence: missense variant. On other transcripts: non-coding transcript variant (1).
Genome position (GRCh38, 1-based): chr19:50,414,873, C>A. VCF-style: chr19-50414873-C-A. GRCh37 (hg19) VCF-style: chr19-50918130-C-A.
Other names: c.2447C>A, p.Ser816Tyr (NM_001256849.1, NM_001438212.1, NM_001438213.1); c.2525C>A, p.Ser842Tyr (NM_001308632.1); c.2375C>A, p.Ser792Tyr (NM_001438210.1, NM_001438211.1); short protein forms S842Y, S816Y, S792Y.
Identifiers: ClinVar variation 4825893 (VCV004825893.1).

ClinVar aggregate classification (germline): Uncertain significance (1 of 4 stars; one submission).

Conditions:
Hereditary cancer-predisposing syndrome. Also called: Neoplastic Syndromes, Hereditary; Tumor predisposition; Hereditary Cancer Syndrome; Hereditary neoplastic syndrome. Identifiers: Orphanet 140162, MedGen C0027672, MeSH D009386, MONDO:0015356.

Submission:

Ambry Genetics
Classification: Uncertain significance for Hereditary cancer-predisposing syndrome. Last evaluated: 2026-03-08. Review status: criteria provided, single submitter. Criteria: Ambry Variant Classification Scheme 2023. Collection method: clinical testing. Allele origin: germline.
Comment: The p.S816Y variant (also known as c.2447C>A), located in coding exon 19 of the POLD1 gene, results from a C to A substitution at nucleotide position 2447. The serine at codon 816 is replaced by tyrosine, an amino acid with dissimilar properties. This amino acid position is conserved. In addition, this alteration is predicted to be tolerated by in silico analysis. Based on the available evidence, the clinical significance of this variant remains unclear.